The following is an entry in ClinVar:

NM_000130.5(F5):c.6179G>A (p.Gly2060Asp)

Gene: F5 (coagulation factor V; minus strand). Cytogenetic location: 1q24.2.
Variant type: single nucleotide variant.
Coding change: c.6179G>A on transcript NM_000130.5 (MANE Select); coding-DNA position 6179, G replaced by A.
Protein change: p.Gly2060Asp; replaces glycine 2060 with aspartic acid.
Molecular consequence: missense variant.
Genome position (GRCh38, 1-based): chr1:169,520,534, C>T on the plus strand (G>A on the coding strand, the complement: F5 is on the minus strand). VCF-style: chr1-169520534-C-T. GRCh37 (hg19) VCF-style: chr1-169489772-C-T.
Other names: short protein forms G2060D.
Identifiers: ClinVar variation 627349 (VCV000627349.4), dbSNP rs1384690038, ClinGen allele CA343121309.

ClinVar aggregate classification (germline): Conflicting classifications of pathogenicity. Review status: criteria provided, conflicting classifications (1 of 4 stars). 3 submissions from 2 submitters: Likely pathogenic (2); Uncertain significance (1). Last evaluated 2019-02-01.

Conditions:
Thrombophilia due to activated protein C resistance (THPH2). Also called: PCCF DEFICIENCY; PROC COFACTOR DEFICIENCY; THROMBOPHILIA DUE TO DEFICIENCY OF ACTIVATED PROTEIN C COFACTOR; THROMBOPHILIA V; APC resistance; Hereditary Resistance to Activated Protein C. Identifiers: MedGen C1861171, MONDO:0008560, OMIM 188055. Disease mechanism: loss of function, gain of function.
Factor V deficiency. Also called: Reduced coagulation factor V activity. Identifiers: Orphanet 326, MedGen C4317320, MONDO:0020586, HP:0003225.
Thromboembolism. Identifiers: MedGen C0040038, HP:0001907.

Allele frequency attached by ClinVar (database versions not stated): gnomAD exomes below 0.00001; gnomAD 0.00001; TOPMed 0.00002.
gnomAD v4.1: 3 of 1,613,866 alleles (0.00019%); highest among the groups gnomAD compares: Non-Finnish European, 0.00025%; no homozygotes.

Submissions (3):

NIHR Bioresource Rare Diseases, University of Cambridge
Classification: Uncertain significance for Thromboembolism. Last evaluated: 2019-02-01. Review status: criteria provided, single submitter. Criteria: ACMG Guidelines, 2015. Collection method: research. Allele origin: unknown. Affected: yes. Observed: 1 compound heterozygote. Study: ThromboGenomics.

ISTH-SSC Genomics in Thrombosis and Hemostasis, KU Leuven, Center for Molecular and Vascular Biology
Classification: Likely pathogenic for Congenital factor V deficiency. Review status: criteria provided, single submitter. Criteria: ACMG Guidelines, 2015. Collection method: clinical testing. Allele origin: unknown. Affected: yes.
Comment: Submitted to GoldVariant by Kathleen Freson, Center for Molecular and Vascular Biology, Leuven, Belgium

ISTH-SSC Genomics in Thrombosis and Hemostasis, KU Leuven, Center for Molecular and Vascular Biology
Classification: Likely pathogenic for Thrombophilia due to activated protein C resistance. Review status: criteria provided, single submitter. Criteria: ACMG Guidelines, 2015. Collection method: clinical testing. Allele origin: germline. Affected: yes. Observed: 1 heterozygote.
Comment: Submitted to the GoldVariant database by Kathleen Freson, Center for Molecular and Vascular Biology

Literature cited by the submitters: PubMed 31064749 (cited by NIHR Bioresource Rare Diseases, University of Cambridge); PubMed 34355501 (cited by ISTH-SSC Genomics in Thrombosis and Hemostasis, KU Leuven, Center for Molecular and Vascular Biology).